The following is an entry in ClinVar:

ClinVar aggregate classification (germline): Uncertain significance (0 of 4 stars; one submission).

Conditions:
PCDH15-related disorder. Also called: PCDH15-related condition; PCDH15-related disorders.

gnomAD v4.1: 131 of 1,613,452 alleles (0.0081%); highest among the groups gnomAD compares: South Asian, 0.1%; 3 homozygotes.

Submission:

PreventionGenetics, part of Exact Sciences
Classification: Uncertain significance for PCDH15-related condition. Last evaluated: 2024-07-24. Review status: no assertion criteria provided. Collection method: clinical testing. Allele origin: germline.
Comment: The PCDH15 c.4699C>T variant is predicted to result in the amino acid substitution p.Arg1567Cys. To our knowledge, this variant has not been reported in the literature. This variant is reported in 0.11% of alleles in individuals of South Asian descent in gnomAD. Although we suspect that this variant may be benign, at this time, the clinical significance of this variant is uncertain due to the absence of conclusive functional and genetic evidence.

NM_001384140.1(PCDH15):c.4765C>T (p.Arg1589Cys)

Gene: PCDH15 (protocadherin related 15; minus strand). Cytogenetic location: 10q21.1.
Variant type: single nucleotide variant.
Coding change: c.4765C>T on transcript NM_001384140.1 (MANE Select); coding-DNA position 4765, C replaced by T.
Protein change: p.Arg1589Cys; replaces arginine 1589 with cysteine.
Molecular consequence: missense variant.
Genome position (GRCh38, 1-based): chr10:53,807,037, G>A on the plus strand (C>T on the coding strand, the complement: PCDH15 is on the minus strand). VCF-style: chr10-53807037-G-A. GRCh37 (hg19) VCF-style: chr10-55566797-G-A.
Other names: c.4591C>T, p.Arg1531Cys (NM_001142771.2); c.4576C>T, p.Arg1526Cys (NM_001142772.2); c.4570C>T, p.Arg1524Cys (NM_001354420.2); c.4699C>T, p.Arg1567Cys (NM_001354429.2); short protein forms R1524C, R1526C, R1531C, R1567C, R1589C.
Identifiers: ClinVar variation 3348028 (VCV003348028.1).